The following is an entry in ClinVar:

ClinVar aggregate classification (germline): Uncertain significance (1 of 4 stars; one submission).

Conditions:
Hypertrophic cardiomyopathy. Also called: HYPERTROPHIC MYOCARDIOPATHY. Identifiers: Orphanet 217569, MedGen C0007194, MeSH D002312, MONDO:0005045, HP:0001639.

Submission:

Labcorp Genetics (formerly Invitae), Labcorp
Classification: Uncertain significance for Hypertrophic cardiomyopathy. Last evaluated: 2025-07-06. Review status: criteria provided, single submitter. Criteria: Invitae Variant Classification Sherloc (09022015). Collection method: clinical testing. Allele origin: germline.
Comment: This sequence change replaces alanine, which is neutral and non-polar, with threonine, which is neutral and polar, at codon 261 of the MYH7 protein (p.Ala261Thr). This variant is not present in population databases (gnomAD no frequency). This variant has not been reported in the literature in individuals affected with MYH7-related conditions. Invitae Evidence Modeling of protein sequence and biophysical properties (such as structural, functional, and spatial information, amino acid conservation, physicochemical variation, residue mobility, and thermodynamic stability) indicates that this missense variant is expected to disrupt MYH7 protein function with a positive predictive value of 95%. In summary, the available evidence is currently insufficient to determine the role of this variant in disease. Therefore, it has been classified as a Variant of Uncertain Significance.

NM_000257.4(MYH7):c.781G>A (p.Ala261Thr)

Gene: MYH7 (myosin heavy chain 7; minus strand). Cytogenetic location: 14q11.2.
Variant type: single nucleotide variant.
Coding change: c.781G>A on transcript NM_000257.4 (MANE Select); coding-DNA position 781, G replaced by A.
Protein change: p.Ala261Thr; replaces alanine 261 with threonine.
Molecular consequence: missense variant.
Genome position (GRCh38, 1-based): chr14:23,431,433, C>T on the plus strand (G>A on the coding strand, the complement: MYH7 is on the minus strand). VCF-style: chr14-23431433-C-T. GRCh37 (hg19) VCF-style: chr14-23900642-C-T.
Other names: c.781G>A, p.Ala261Thr (NM_001407004.1); short protein forms A261T.
Identifiers: ClinVar variation 4801961 (VCV004801961.1).
Genomic context (GRCh38, chr14:23,431,433, plus strand): 5'-GCAAGGGTGAGCTTAGGCTGAGCCTAGCAGATTCATGGCACTCACAGGTCTCTATGTCTG[C>T]AGATGCCAACTTTCCTGTTGCCCCAAAATGAATTCGAATGAATTTCCCCTGGAGAGATGG-3'
Protein context (NP_000248.2, residues 251-271): HFGATGKLAS[Ala261Thr]DIETYLLEKS